The following is an entry in ClinVar:

ClinVar aggregate classification (germline): Pathogenic (1 of 4 stars; one submission).

Conditions:
Farber lipogranulomatosis (FRBRL). Also called: Farber's lipogranulomatosis; Farber's disease; Farber disease; AC DEFICIENCY; ACID CERAMIDASE DEFICIENCY; CERAMIDASE DEFICIENCY. Identifiers: Orphanet 333, MedGen C0268255, MONDO:0009218, OMIM 228000.

gnomAD v4.1: 5 of 1,614,162 alleles (0.00031%); highest among the groups gnomAD compares: Non-Finnish European, 0.00034%; no homozygotes.

Submission:

Women's Health and Genetics/Laboratory Corporation of America, LabCorp
Classification: Pathogenic for Farber lipogranulomatosis. Last evaluated: 2025-07-01. Review status: criteria provided, single submitter. Criteria: LabCorp Variant Classification Summary - May 2015. Collection method: clinical testing. Allele origin: germline.
Comment: Variant summary: ASAH1 c.898G>T (p.Glu300X) results in a premature termination codon, predicted to cause a truncation of the encoded protein or absence of the protein due to nonsense mediated decay, which are commonly known mechanisms for disease. The variant was absent in 251434 control chromosomes. To our knowledge, no occurrence of c.898G>T in individuals affected with Farber lipogranulomatosis and no experimental evidence demonstrating its impact on protein function have been reported. No submitters have cited clinical-significance assessments for this variant to ClinVar. Based on the evidence outlined above, the variant was classified as pathogenic.

NM_177924.5(ASAH1):c.898G>T (p.Glu300Ter)

Gene: ASAH1 (N-acylsphingosine amidohydrolase 1; minus strand). Cytogenetic location: 8p22.
Variant type: single nucleotide variant.
Coding change: c.898G>T on transcript NM_177924.5 (MANE Select); coding-DNA position 898, G replaced by T.
Protein change: p.Glu300Ter; replaces glutamic acid 300 with a stop codon.
Molecular consequence: nonsense.
Genome position (GRCh38, 1-based): chr8:18,059,591, C>A on the plus strand (G>T on the coding strand, the complement: ASAH1 is on the minus strand). VCF-style: chr8-18059591-C-A. GRCh37 (hg19) VCF-style: chr8-17917100-C-A.
Other names: c.880G>T, p.Glu294Ter (NM_001127505.3); c.703G>T, p.Glu235Ter (NM_001363743.2); c.946G>T, p.Glu316Ter (NM_004315.6); short protein forms E235*, E294*, E300*, E316*.
Identifiers: ClinVar variation 3912002 (VCV003912002.2).
Genomic context (GRCh38, chr8:18,059,591, plus strand): 5'-GCTTTTGTTTCTACTTCTTTTGCTTTAACAAACCTACTTACTCATATACATCCAATGATT[C>A]CTTTCTGTCTCGTGTAATCACACAACCTTCCCCAGACTGGTTGCCTCCCAGGATAAAGTA-3'